The following is an entry in ClinVar:

ClinVar aggregate classification (germline): Uncertain significance. Review status: criteria provided, multiple submitters, no conflicts (2 of 4 stars). 2 submissions from 2 submitters: Uncertain significance (2). Last evaluated 2026-03-28.

Conditions:
Cardiovascular phenotype. Identifiers: MedGen CN230736.

Allele frequency attached by ClinVar (database versions not stated): gnomAD 0.00003; gnomAD exomes 0.00002; TOPMed 0.00003; ExAC 0.00001.
gnomAD v4.1: 31 of 1,613,008 alleles (0.0019%); highest among the groups gnomAD compares: African/African-American, 0.004%; no homozygotes.

Submissions (2):

GeneDx
Classification: Uncertain significance. Last evaluated: 2026-03-28. Review status: criteria provided, single submitter. Criteria: GeneDx Variant Classification Process June 2021. Collection method: clinical testing. Allele origin: germline.
Comment: Not observed at significant frequency in large population cohorts (gnomAD); Missense variant in a gene in which most reported pathogenic variants are truncating/loss of function; Has not been previously published as pathogenic or benign to our knowledge

Ambry Genetics
Classification: Uncertain significance for Cardiovascular phenotype. Last evaluated: 2018-01-06. Review status: criteria provided, single submitter. Criteria: Ambry Variant Classification Scheme 2023. Collection method: clinical testing. Allele origin: germline.
Comment: The p.A12377V variant (also known as c.37130C>T), located in coding exon 135 of the TTN gene, results from a C to T substitution at nucleotide position 37130. The alanine at codon 12377 is replaced by valine, an amino acid with similar properties. This amino acid position is not well conserved in available vertebrate species, and valine is the reference amino acid in other vertebrate species. In addition, this alteration is predicted to be tolerated by in silico analysis. Since supporting evidence is limited at this time, the clinical significance of this alteration remains unclear.

NM_001267550.2(TTN):c.64325C>T (p.Ala21442Val)

Genes: TTN (titin; minus strand), TTN-AS1 (TTN antisense RNA 1; plus strand). Cytogenetic location: 2q31.2.
Variant type: single nucleotide variant.
Coding change: c.64325C>T on transcript NM_001267550.2 (MANE Select); coding-DNA position 64325, C replaced by T.
Protein change: p.Ala21442Val; replaces alanine 21442 with valine.
Molecular consequence: missense variant.
Genome position (GRCh38, 1-based): chr2:178,586,576, G>A on the plus strand (C>T on the coding strand, the complement: TTN is on the minus strand). VCF-style: chr2-178586576-G-A. GRCh37 (hg19) VCF-style: chr2-179451303-G-A.
Other names: c.59402C>T, p.Ala19801Val (NM_001256850.1); c.37130C>T, p.Ala12377Val (NM_003319.4); c.56621C>T, p.Ala18874Val (NM_133378.4); c.37505C>T, p.Ala12502Val (NM_133432.3); c.37706C>T, p.Ala12569Val (NM_133437.4); short protein forms A12502V, A12569V, A18874V, A19801V, A12377V, A21442V.
Identifiers: ClinVar variation 1734217 (VCV001734217.3), dbSNP rs769108408, ClinGen allele CA1991924.